The following is an entry in ClinVar:

NM_005633.4(SOS1):c.967T>C (p.Tyr323His)

Gene: SOS1 (SOS Ras/Rac guanine nucleotide exchange factor 1; minus strand). Cytogenetic location: 2p22.1.
Variant type: single nucleotide variant.
Coding change: c.967T>C on transcript NM_005633.4 (MANE Select); coding-DNA position 967, T replaced by C.
Protein change: p.Tyr323His; replaces tyrosine 323 with histidine.
Molecular consequence: missense variant.
Genome position (GRCh38, 1-based): chr2:39,035,398, A>G on the plus strand (T>C on the coding strand, the complement: SOS1 is on the minus strand). VCF-style: chr2-39035398-A-G. GRCh37 (hg19) VCF-style: chr2-39262539-A-G.
Other names: c.946T>C, p.Tyr316His (NM_001382394.1); c.967T>C, p.Tyr323His (NM_001382395.1); short protein forms Y316H, Y323H.
Identifiers: ClinVar variation 958333 (VCV000958333.10), dbSNP rs1670309576, ClinGen allele CA346367304.

ClinVar aggregate classification (germline): Uncertain significance. Review status: criteria provided, multiple submitters, no conflicts (2 of 4 stars). 2 submissions from 2 submitters: Uncertain significance (2). Last evaluated 2022-11-22.

Conditions:
RASopathy. Also called: rasopathies; Noonan spectrum disorder. Identifiers: Orphanet 536391, MedGen C5555857, MONDO:0021060.

Allele frequency attached by ClinVar (database versions not stated): gnomAD exomes below 0.00001.

Submissions (2):

GeneDx
Classification: Uncertain significance. Last evaluated: 2022-11-22. Review status: criteria provided, single submitter. Criteria: GeneDx Variant Classification Process June 2021. Collection method: clinical testing. Allele origin: germline. Affected: yes.
Comment: Not observed at significant frequency in large population cohorts (gnomAD); Missense variants in this gene are often considered pathogenic (HGMD); In silico analysis supports that this missense variant does not alter protein structure/function; Has not been previously published as pathogenic or benign to our knowledge; This variant is associated with the following publications: (PMID: 29493581)

Labcorp Genetics (formerly Invitae), Labcorp
Classification: Uncertain significance for RASopathy. Last evaluated: 2019-08-01. Review status: criteria provided, single submitter. Criteria: Invitae Variant Classification Sherloc (09022015). Collection method: clinical testing. Allele origin: germline.
Comment: In summary, the available evidence is currently insufficient to determine the role of this variant in disease. Therefore, it has been classified as a Variant of Uncertain Significance. Algorithms developed to predict the effect of missense changes on protein structure and function (SIFT, PolyPhen-2, Align-GVGD) all suggest that this variant is likely to be tolerated, but these predictions have not been confirmed by published functional studies and their clinical significance is uncertain. This variant has not been reported in the literature in individuals with SOS1-related conditions. This variant is not present in population databases (ExAC no frequency). This sequence change replaces tyrosine with histidine at codon 323 of the SOS1 protein (p.Tyr323His). The tyrosine residue is moderately conserved and there is a moderate physicochemical difference between tyrosine and histidine.